The following is an entry in ClinVar:

NM_021625.5(TRPV4):c.838G>A (p.Gly280Ser)

Gene: TRPV4 (transient receptor potential cation channel subfamily V member 4; minus strand). Cytogenetic location: 12q24.11.
Variant type: single nucleotide variant.
Coding change: c.838G>A on transcript NM_021625.5 (MANE Select); coding-DNA position 838, G replaced by A.
Protein change: p.Gly280Ser; replaces glycine 280 with serine.
Molecular consequence: missense variant. On other transcripts: intron variant (2).
Genome position (GRCh38, 1-based): chr12:109,800,633, C>T on the plus strand (G>A on the coding strand, the complement: TRPV4 is on the minus strand). VCF-style: chr12-109800633-C-T. GRCh37 (hg19) VCF-style: chr12-110238438-C-T.
Other names: c.736G>A, p.Gly246Ser (NM_001177431.2); c.838G>A, p.Gly280Ser (NM_147204.3); c.713-1721G>A (NM_001177433.1, NM_001177428.1); short protein forms G280S, G246S.
Identifiers: ClinVar variation 1045051 (VCV001045051.8), dbSNP rs763354006, ClinGen allele CA386655258.
Genomic context (GRCh38, chr12:109,800,633, plus strand): 5'-ATGCTTCTCCAGCATGCTGTCAGCCCCCACCAGGCCCCTCCTTACCAAAGTAGAAGTAGC[C>T]CCCCTCATCCTTGGGCTGGAAGAAGCGCCCACGGGCCTGGGCGTGGACATCAGCTCCCTG-3'
Protein context (NP_067638.3, residues 270-290): GRFFQPKDEG[Gly280Ser]YFYFGELPLS

ClinVar aggregate classification (germline): Pathogenic (1 of 4 stars; one submission).

Conditions:
Charcot-Marie-Tooth disease axonal type 2C (HMSN2C). Also called: Charcot-Marie-Tooth Disease Type 2, TRPV4-Related (CMT2C); CHARCOT-MARIE-TOOTH DISEASE, AXONAL, AUTOSOMAL DOMINANT, TYPE 2C; Charcot-Marie-Tooth Neuropathy Type 2C. Identifiers: Orphanet 99937, MedGen C1853710, MONDO:0011633, OMIM 606071.

Submission:

Labcorp Genetics (formerly Invitae), Labcorp
Classification: Pathogenic for Charcot-Marie-Tooth disease axonal type 2C. Last evaluated: 2022-02-04. Review status: criteria provided, single submitter. Criteria: Invitae Variant Classification Sherloc (09022015). Collection method: clinical testing. Allele origin: germline.
Comment: ClinVar contains an entry for this variant (Variation ID: 1045051). This missense change has been observed in individual(s) with metatropic dysplasia (PMID: 30214761). In at least one individual the variant was observed to be de novo. This variant is not present in population databases (gnomAD no frequency). This sequence change replaces glycine, which is neutral and non-polar, with serine, which is neutral and polar, at codon 280 of the TRPV4 protein (p.Gly280Ser). Advanced modeling of protein sequence and biophysical properties (such as structural, functional, and spatial information, amino acid conservation, physicochemical variation, residue mobility, and thermodynamic stability) performed at Invitae indicates that this missense variant is expected to disrupt TRPV4 protein function. For these reasons, this variant has been classified as Pathogenic.

Literature cited by the submitters: PubMed 30214761.